The following is an entry in ClinVar:

NM_005199.5(CHRNG):c.543G>A (p.Gln181=)

Gene: CHRNG (cholinergic receptor nicotinic gamma subunit; plus strand). Cytogenetic location: 2q37.1.
Variant type: single nucleotide variant.
Coding change: c.543G>A on transcript NM_005199.5 (MANE Select); coding-DNA position 543, G replaced by A.
Protein change: p.Gln181=; no amino-acid change (glutamine 181 retained).
Molecular consequence: synonymous variant.
Genome position (GRCh38, 1-based): chr2:232,542,459, G>A. VCF-style: chr2-232542459-G-A. GRCh37 (hg19) VCF-style: chr2-233407169-G-A.
Identifiers: ClinVar variation 259669 (VCV000259669.36), dbSNP rs753990044, ClinGen allele CA2168712.

ClinVar aggregate classification (germline): Likely benign. Review status: criteria provided, multiple submitters, no conflicts (2 of 4 stars). 3 submissions from 3 submitters: Likely benign (3). Last evaluated 2024-02-23.

Allele frequency attached by ClinVar (database versions not stated): gnomAD 0.00009 and 0.00010; gnomAD exomes 0.00010; TOPMed 0.00011; ExAC 0.00014.
gnomAD v4.1: 161 of 1,613,900 alleles (0.01%); highest among the groups gnomAD compares: Middle Eastern, 0.016%; no homozygotes.

Submissions (3):

Labcorp Genetics (formerly Invitae), Labcorp
Classification: Likely benign. Last evaluated: 2024-02-23. Review status: criteria provided, single submitter. Criteria: Invitae Variant Classification Sherloc (09022015). Collection method: clinical testing. Allele origin: germline.

CeGaT Center for Human Genetics Tuebingen
Classification: Likely benign. Last evaluated: 2022-10-01. Review status: criteria provided, single submitter. Criteria: CeGaT Center For Human Genetics Tuebingen Variant Classification Criteria Version 2. Collection method: clinical testing. Allele origin: germline. Affected: yes. Observed: 1 variant allele.
Comment: CHRNG: BP4, BP7

PreventionGenetics, part of Exact Sciences
Classification: Likely benign. Review status: criteria provided, single submitter. Criteria: ACMG Guidelines, 2015. Collection method: clinical testing. Allele origin: germline.